The following is an entry in ClinVar:

ClinVar aggregate classification (germline): Conflicting classifications of pathogenicity. Review status: criteria provided, conflicting classifications (1 of 4 stars). 3 submissions from 3 submitters: Uncertain significance (2); Likely benign (1). Last evaluated 2021-03-19.

Conditions:
Cardiomyopathy (CMYO). Also called: Cardiomyopathies. Identifiers: Orphanet 167848, MedGen C0878544, MONDO:0004994, HP:0001638. Inheritance: Various modes of inheritance.

Allele frequency attached by ClinVar (database versions not stated): gnomAD below 0.00001 and 0.00001; TOPMed below 0.00001; gnomAD exomes 0.00003 and 0.00005; ExAC 0.00005.
gnomAD v4.1: 50 of 1,613,954 alleles (0.0031%); highest among the groups gnomAD compares: South Asian, 0.055%; 2 homozygotes.

Submissions (3):

Revvity Omics, Revvity
Classification: Uncertain significance. Last evaluated: 2021-03-19. Review status: criteria provided, single submitter. Criteria: ACMG Guidelines, 2015. Collection method: clinical testing. Allele origin: germline.

GeneDx
Classification: Likely benign. Last evaluated: 2018-06-19. Review status: criteria provided, single submitter. Criteria: GeneDx Variant Classification (06012015). Collection method: clinical testing. Allele origin: germline. Affected: yes.
Comment: This variant is considered likely benign or benign based on one or more of the following criteria: it is a conservative change, it occurs at a poorly conserved position in the protein, it is predicted to be benign by multiple in silico algorithms, and/or has population frequency not consistent with disease.

CHEO Genetics Diagnostic Laboratory, Children's Hospital of Eastern Ontario
Classification: Uncertain significance for Cardiomyopathy. Last evaluated: 2016-05-09. Review status: criteria provided, single submitter. Criteria: ACMG Guidelines, 2015. Collection method: clinical testing. Allele origin: germline. Study: Canadian Open Genetics Repository.

NM_001267550.2(TTN):c.7223A>G (p.Gln2408Arg)

Genes: TTN (titin; minus strand), LOC126806433 (BRD4-independent group 4 enhancer GRCh37_chr2:179638309-179639508; plus strand). Cytogenetic location: 2q31.2.
Variant type: single nucleotide variant.
Coding change: c.7223A>G on transcript NM_001267550.2 (MANE Select); coding-DNA position 7223, A replaced by G.
Protein change: p.Gln2408Arg; replaces glutamine 2408 with arginine.
Molecular consequence: missense variant.
Genome position (GRCh38, 1-based): chr2:178,773,945, T>C on the plus strand (A>G on the coding strand, the complement: TTN is on the minus strand). VCF-style: chr2-178773945-T-C. GRCh37 (hg19) VCF-style: chr2-179638672-T-C.
Other names: c.7223A>G, p.Gln2408Arg (NM_001256850.1, NM_133378.4, NM_133379.5); c.7085A>G, p.Gln2362Arg (NM_003319.4, NM_133432.3, NM_133437.4); short protein forms Q2408R, Q2362R.
Identifiers: ClinVar variation 626699 (VCV000626699.6), dbSNP rs777244038, ClinGen allele CA2004868.